The following is an entry in ClinVar:

NM_002085.5(GPX4):c.500A>G (p.Lys167Arg)

Gene: GPX4 (glutathione peroxidase 4; plus strand). Cytogenetic location: 19p13.3.
Variant type: single nucleotide variant.
Coding change: c.500A>G on transcript NM_002085.5 (MANE Select); coding-DNA position 500, A replaced by G.
Protein change: p.Lys167Arg; replaces lysine 167 with arginine.
Molecular consequence: missense variant.
Genome position (GRCh38, 1-based): chr19:1,106,265, A>G. VCF-style: chr19-1106265-A-G. GRCh37 (hg19) VCF-style: chr19-1106264-A-G.
Other names: c.500A>G, p.Lys167Arg (NM_001039847.3); c.611A>G, p.Lys204Arg (NM_001039848.4); c.419A>G, p.Lys140Arg (NM_001367832.1); short protein forms K167R, K140R, K204R.
Identifiers: ClinVar variation 2043522 (VCV002043522.4), dbSNP rs2512696342, ClinGen allele CA402939269.

ClinVar aggregate classification (germline): Uncertain significance (1 of 4 stars; one submission).

Submission:

Labcorp Genetics (formerly Invitae), Labcorp
Classification: Uncertain significance. Last evaluated: 2023-07-07. Review status: criteria provided, single submitter. Criteria: Invitae Variant Classification Sherloc (09022015). Collection method: clinical testing. Allele origin: germline.
Comment: This sequence change replaces lysine, which is basic and polar, with arginine, which is basic and polar, at codon 204 of the GPX4 protein (p.Lys204Arg). This variant is not present in population databases (gnomAD no frequency). This variant has not been reported in the literature in individuals affected with GPX4-related conditions. ClinVar contains an entry for this variant (Variation ID: 2043522). Experimental studies and prediction algorithms are not available or were not evaluated, and the functional significance of this variant is currently unknown. In summary, the available evidence is currently insufficient to determine the role of this variant in disease. Therefore, it has been classified as a Variant of Uncertain Significance.